The following is an entry in ClinVar:

ClinVar aggregate classification (germline): Uncertain significance (1 of 4 stars; one submission).

Conditions:
Immunodeficiency, common variable, 10. Also called: IMMUNODEFICIENCY, COMMON VARIABLE, WITH CENTRAL ADRENAL INSUFFICIENCY; DEFICIT IN ANTERIOR PITUITARY FUNCTION AND VARIABLE IMMUNODEFICIENCY. Identifiers: MedGen C3809991, MONDO:0014260, OMIM 615577.

Submission:

Labcorp Genetics (formerly Invitae), Labcorp
Classification: Uncertain significance for Immunodeficiency, common variable, 10. Last evaluated: 2025-06-15. Review status: criteria provided, single submitter. Criteria: Invitae Variant Classification Sherloc (09022015). Collection method: clinical testing. Allele origin: germline.
Comment: This variant, c.2557_2562del, results in the deletion of 2 amino acid(s) of the NFKB2 protein (p.Arg853_Asp854del), but otherwise preserves the integrity of the reading frame. This variant is present in population databases (no rsID available, gnomAD 0.003%). This variant has not been reported in the literature in individuals affected with NFKB2-related conditions. ClinVar contains an entry for this variant (Variation ID: 1362208). Experimental studies and prediction algorithms are not available or were not evaluated, and the functional significance of this variant is currently unknown. In summary, the available evidence is currently insufficient to determine the role of this variant in disease. Therefore, it has been classified as a Variant of Uncertain Significance.

NM_001322934.2(NFKB2):c.2557_2562del (p.Arg853_Asp854del)

Gene: NFKB2 (nuclear factor kappa B subunit 2; plus strand). Cytogenetic location: 10q24.32.
Variant type: Deletion.
Coding change: c.2557_2562del on transcript NM_001322934.2 (MANE Select); coding-DNA positions 2557 to 2562, 6 bases deleted (CGAGAC; older notation c.2557_2562delCGAGAC).
Protein change: p.Arg853_Asp854del.
Molecular consequence: inframe deletion.
Genome position (GRCh38, 1-based): chr10:102,402,138-102,402,143, CGAGAC deleted; deleting any 6 consecutive bases within chr10:102,402,137-102,402,143 gives the same sequence; the c. name uses the placement nearest the transcript's 3' end. VCF-style (leftmost placement, unchanged base first): chr10-102402136-CCCGAGA-C. GRCh37 (hg19) VCF-style: chr10-104161893-CCCGAGA-C.
Other names: c.2557_2562del, p.Arg853_Asp854del (NM_001077494.3, NM_001261403.3, NM_001288724.1 and 1 more transcripts); c.2431_2436del, p.Arg811_Asp812del (NM_001322935.1).
Identifiers: ClinVar variation 1362208 (VCV001362208.8), dbSNP rs1192001551, ClinGen allele CA471245717.
Genomic context (GRCh38, chr10:102,402,136, plus strand): 5'-TGGAGGCCCTGTCTGACATGGGCCTAGAGGAGGGAGTGAGGCTGCTGAGGGGTCCAGAAA[CCCGAGA>C]CAAGCTGCCCAGCACAGGTAAAGGGGCCTCCCTGGAAGGTGGATCTGGACCTGGAGGGCC-3'